The following is an entry in ClinVar:

ClinVar aggregate classification (germline): Uncertain significance. Review status: criteria provided, multiple submitters, no conflicts (2 of 4 stars). 3 submissions from 3 submitters: Uncertain significance (3). Last evaluated 2025-12-17.

Conditions:
Neuromuscular disease caused by qualitative or quantitative defects of dysferlin. Also called: Dysferlinopathy; Qualitative or quantitative defects of dysferlin. Identifiers: Orphanet 207073, MedGen C2931687, MONDO:0016145.

Allele frequency attached by ClinVar (database versions not stated): gnomAD exomes below 0.00001; TOPMed 0.00002; gnomAD 0.00005.
gnomAD v4.1: 14 of 1,613,988 alleles (0.00087%); highest among the groups gnomAD compares: African/African-American, 0.015%; no homozygotes.

Submissions (3):

Labcorp Genetics (formerly Invitae), Labcorp
Classification: Uncertain significance for Neuromuscular disease caused by qualitative or quantitative defects of dysferlin. Last evaluated: 2025-12-17. Review status: criteria provided, single submitter. Criteria: Invitae Variant Classification Sherloc (09022015). Collection method: clinical testing. Allele origin: germline.
Comment: This sequence change replaces isoleucine, which is neutral and non-polar, with threonine, which is neutral and polar, at codon 1733 of the DYSF protein (p.Ile1733Thr). This variant is present in population databases (no rsID available, gnomAD 0.01%). This variant has not been reported in the literature in individuals affected with DYSF-related conditions. ClinVar contains an entry for this variant (Variation ID: 286742). An algorithm developed to predict the effect of missense changes on protein structure and function outputs the following: PolyPhen-2: "Benign". The threonine amino acid residue is found in multiple mammalian species, which suggests that this missense change does not adversely affect protein function. In summary, the available evidence is currently insufficient to determine the role of this variant in disease. Therefore, it has been classified as a Variant of Uncertain Significance.

GeneDx
Classification: Uncertain significance. Last evaluated: 2025-03-15. Review status: criteria provided, single submitter. Criteria: GeneDx Variant Classification Process June 2021. Collection method: clinical testing. Allele origin: germline. Affected: yes.
Comment: Not observed at significant frequency in large population cohorts (gnomAD); In silico analysis indicates that this missense variant does not alter protein structure/function; Has not been previously published as pathogenic or benign to our knowledge; This variant is associated with the following publications: (PMID: 24438169)

Eurofins Ntd Llc (ga)
Classification: Uncertain significance. Last evaluated: 2016-03-23. Review status: criteria provided, single submitter. Criteria: EGL Classification Definitions 2015. Collection method: clinical testing. Allele origin: germline. Observed: 1 variant allele, 1 heterozygote.

NM_001130987.2(DYSF):c.5315T>C (p.Ile1772Thr)

Gene: DYSF (dysferlin; plus strand). Cytogenetic location: 2p13.2.
Variant type: single nucleotide variant.
Coding change: c.5315T>C on transcript NM_001130987.2 (MANE Select); coding-DNA position 5315, T replaced by C.
Protein change: p.Ile1772Thr; replaces isoleucine 1772 with threonine.
Molecular consequence: missense variant.
Genome position (GRCh38, 1-based): chr2:71,665,302, T>C. VCF-style: chr2-71665302-T-C. GRCh37 (hg19) VCF-style: chr2-71892432-T-C.
Other names: c.5198T>C (NM_003494.3); c.5201T>C, p.Ile1734Thr (NM_001130455.2); c.5156T>C, p.Ile1719Thr (NM_001130976.2); c.5219T>C, p.Ile1740Thr (NM_001130977.2); c.5261T>C, p.Ile1754Thr (NM_001130978.2); c.5291T>C, p.Ile1764Thr (NM_001130979.2); c.5249T>C, p.Ile1750Thr (NM_001130980.2); c.5312T>C, p.Ile1771Thr (NM_001130981.2); and 6 more; short protein forms I1772T, I1733T, I1719T, I1720T, I1740T, I1734T, I1750T, I1751T.
Identifiers: ClinVar variation 286742 (VCV000286742.9), dbSNP rs866367366, ClinGen allele CA10605555.
Genomic context (GRCh38, chr2:71,665,302, plus strand): 5'-CACCTGTGTACCGGACAGACCGTGTAATGTTTCAGGATAAAGAATATTCCATTGAAGAGA[T>C]AGGTGAGCTGCCACATGACCCCAAACCATGGTGGGCTCTCGCTGTATCCCTCCCTCTCTC-3'
Protein context (NP_001124459.1, residues 1762-1782): FQDKEYSIEE[Ile1772Thr]EAGRIPNPHL